The following is an entry in ClinVar:

ClinVar aggregate classification (germline): Pathogenic (1 of 4 stars; one submission).

Conditions:
Melnick-Fraser syndrome (BOR). Also called: Branchiootorenal syndrome; Branchio-oto-renal syndrome; Branchiootorenal Syndrome (BORS). Identifiers: Orphanet 107, MedGen C0265234, MONDO:0007029.

Submission:

Labcorp Genetics (formerly Invitae), Labcorp
Classification: Pathogenic for Melnick-Fraser syndrome. Last evaluated: 2019-08-17. Review status: criteria provided, single submitter. Criteria: Invitae Variant Classification Sherloc (09022015). Collection method: clinical testing. Allele origin: germline.
Comment: For these reasons, this variant has been classified as Pathogenic. Loss-of-function variants in EYA1 are known to be pathogenic (PMID: 18220287, 10464653). This variant has been observed to segregate with clinical features of branchio-oto-renal syndrome in a family (PMID: 22447252). This variant is not present in population databases (ExAC no frequency). This sequence change creates a premature translational stop signal (p.Gln156*) in the EYA1 gene. It is expected to result in an absent or disrupted protein product.

Literature cited by the submitters: PubMed 18220287; PubMed 10464653; PubMed 22447252.

NM_000503.6(EYA1):c.466C>T (p.Gln156Ter)

Gene: EYA1 (EYA transcriptional coactivator and phosphatase 1; minus strand). Cytogenetic location: 8q13.3.
Variant type: single nucleotide variant.
Coding change: c.466C>T on transcript NM_000503.6 (MANE Select); coding-DNA position 466, C replaced by T.
Protein change: p.Gln156Ter; replaces glutamine 156 with a stop codon.
Molecular consequence: nonsense.
Genome position (GRCh38, 1-based): chr8:71,317,642, G>A on the plus strand (C>T on the coding strand, the complement: EYA1 is on the minus strand). VCF-style: chr8-71317642-G-A. GRCh37 (hg19) VCF-style: chr8-72229877-G-A.
Other names: c.448C>T, p.Gln150Ter (NM_001288574.2); c.100C>T, p.Gln34Ter (NM_001288575.2); c.553C>T, p.Gln185Ter (NM_001370333.1); c.466C>T, p.Gln156Ter (NM_001370334.1, NM_001370335.1, NM_172058.4); c.535C>T, p.Gln179Ter (NM_001370336.1); c.538C>T, p.Gln180Ter (NM_172059.5); short protein forms Q185*, Q150*, Q156*, Q34*, Q179*, Q180*.
Identifiers: ClinVar variation 957517 (VCV000957517.9), dbSNP rs1822069596, ClinGen allele CA371468092.
Genomic context (GRCh38, chr8:71,317,642, plus strand): 5'-CAGGTTGAGGGGTACTGAAGCTTGTGCCATAGCTGAGAAATCCTGTCTGTCCAGGTGACT[G>A]AGACTGTGACAATCCACCTTCAGTCTTGATGCCTGCCCACAATGCACCTAAATCAGTTAG-3'